The following is an entry in ClinVar:

NM_000136.3(FANCC):c.268C>A (p.Leu90Ile)

Gene: FANCC (FA complementation group C; minus strand). Cytogenetic location: 9q22.32.
Variant type: single nucleotide variant.
Coding change: c.268C>A on transcript NM_000136.3 (MANE Select); coding-DNA position 268, C replaced by A.
Protein change: p.Leu90Ile; replaces leucine 90 with isoleucine.
Molecular consequence: missense variant.
Genome position (GRCh38, 1-based): chr9:95,240,726, G>T on the plus strand (C>A on the coding strand, the complement: FANCC is on the minus strand). VCF-style: chr9-95240726-G-T. GRCh37 (hg19) VCF-style: chr9-98003008-G-T.
Other names: c.268C>A, p.Leu90Ile (NM_001243743.2, NM_001243744.2); short protein forms L90I.
Identifiers: ClinVar variation 1427256 (VCV001427256.8), dbSNP rs2136049561, ClinGen allele CA374339456.

ClinVar aggregate classification (germline): Uncertain significance (1 of 4 stars; one submission).

Conditions:
Fanconi anemia (FA). Also called: Fanconi's anemia. Identifiers: Orphanet 84, MedGen C0015625, MeSH D005199, MONDO:0019391.

gnomAD v4.1: 1 of 1,611,446 alleles (0.000062%); highest among the groups gnomAD compares: Non-Finnish European, 0.000085%; no homozygotes.

Submission:

Labcorp Genetics (formerly Invitae), Labcorp
Classification: Uncertain significance for Fanconi anemia. Last evaluated: 2024-03-11. Review status: criteria provided, single submitter. Criteria: Invitae Variant Classification Sherloc (09022015). Collection method: clinical testing. Allele origin: germline.
Comment: This sequence change replaces leucine, which is neutral and non-polar, with isoleucine, which is neutral and non-polar, at codon 90 of the FANCC protein (p.Leu90Ile). This variant is not present in population databases (gnomAD no frequency). This variant has not been reported in the literature in individuals affected with FANCC-related conditions. ClinVar contains an entry for this variant (Variation ID: 1427256). Advanced modeling of protein sequence and biophysical properties (such as structural, functional, and spatial information, amino acid conservation, physicochemical variation, residue mobility, and thermodynamic stability) performed at Invitae indicates that this missense variant is not expected to disrupt FANCC protein function with a negative predictive value of 80%. In summary, the available evidence is currently insufficient to determine the role of this variant in disease. Therefore, it has been classified as a Variant of Uncertain Significance.